The following is an entry in ClinVar:

NM_014822.4(SEC24D):c.252del (p.Pro85fs)

Gene: SEC24D (SEC24 homolog D, COPII component; minus strand). Cytogenetic location: 4q26.
Variant type: Deletion.
Coding change: c.252del on transcript NM_014822.4 (MANE Select); coding-DNA position 252, one base deleted (T; older notation c.252delT).
Protein change: p.Pro85fs; shifts the reading frame from proline 85.
Molecular consequence: frameshift variant.
Genome position (GRCh38, 1-based): chr4:118,817,409, A deleted on the plus strand (T on the coding strand, the reverse complement: SEC24D is on the minus strand); the first of 3 consecutive A bases (chr4:118,817,409-118,817,411); deleting any one gives the same sequence. VCF-style (leftmost placement, unchanged base first): chr4-118817408-GA-G. GRCh37 (hg19) VCF-style: chr4-119738563-GA-G.
Other names: c.252del, p.Pro85fs (NM_001318066.2); short protein forms P85fs.
Identifiers: ClinVar variation 3661126 (VCV003661126.2).

ClinVar aggregate classification (germline): Pathogenic (1 of 4 stars; one submission).

Submission:

Labcorp Genetics (formerly Invitae), Labcorp
Classification: Pathogenic. Last evaluated: 2024-07-31. Review status: criteria provided, single submitter. Criteria: Invitae Variant Classification Sherloc (09022015). Collection method: clinical testing. Allele origin: germline.
Comment: This sequence change creates a premature translational stop signal (p.Pro85Glnfs*186) in the SEC24D gene. It is expected to result in an absent or disrupted protein product. Loss-of-function variants in SEC24D are known to be pathogenic (PMID: 25683121, 30462379). This variant is not present in population databases (gnomAD no frequency). This variant has not been reported in the literature in individuals affected with SEC24D-related conditions. For these reasons, this variant has been classified as Pathogenic.

Literature cited by the submitters: PubMed 25683121; PubMed 30462379.